The following is an entry in ClinVar:

NM_001204.7(BMPR2):c.1372_1373del (p.Gln458fs)

Gene: BMPR2 (bone morphogenetic protein receptor type 2; plus strand). Cytogenetic location: 2q33.2.
Variant type: Deletion.
Coding change: c.1372_1373del on transcript NM_001204.7 (MANE Select); coding-DNA positions 1372 to 1373, 2 bases deleted (CA; older notation c.1372_1373delCA).
Protein change: p.Gln458fs; shifts the reading frame from glutamine 458.
Molecular consequence: frameshift variant.
Genome position (GRCh38, 1-based): chr2:202,542,406-202,542,407, CA deleted; deleting any 2 consecutive bases within chr2:202,542,405-202,542,407 gives the same sequence; the c. name uses the placement nearest the transcript's 3' end. VCF-style (leftmost placement, unchanged base first): chr2-202542404-AAC-A. GRCh37 (hg19) VCF-style: chr2-203407127-AAC-A.
Other names: short protein forms Q458fs.
Identifiers: ClinVar variation 941179 (VCV000941179.1), dbSNP rs1688293940, ClinGen allele CA1139657643.

ClinVar aggregate classification (germline): Pathogenic (1 of 4 stars; one submission).

Conditions:
Pulmonary hypertension, primary, 1 (PPH1). Also called: Pulmonary hypertension, familial primary, 1, with or without HHT. Identifiers: Orphanet 422, MedGen C4552070, MONDO:0024533, OMIM 178600.

Submission:

Labcorp Genetics (formerly Invitae), Labcorp
Classification: Pathogenic for Idiopathic Pulmonary Hypertension. Last evaluated: 2019-06-26. Review status: criteria provided, single submitter. Criteria: Invitae Variant Classification Sherloc (09022015). Collection method: clinical testing. Allele origin: germline.
Comment: This sequence change creates a premature translational stop signal (p.Gln458Glufs*12) in the BMPR2 gene. It is expected to result in an absent or disrupted protein product. This variant is not present in population databases (ExAC no frequency). This variant has not been reported in the literature in individuals with BMPR2-related conditions. Loss-of-function variants in BMPR2 are known to be pathogenic (PMID: 16429395). For these reasons, this variant has been classified as Pathogenic.